The following is an entry in ClinVar:

ClinVar aggregate classification (germline): Conflicting classifications of pathogenicity. Review status: criteria provided, conflicting classifications (1 of 4 stars). 2 submissions from 2 submitters: Uncertain significance (1); Likely benign (1). Last evaluated 2026-06-01.

Allele frequency attached by ClinVar (database versions not stated): ESP Exome Variant Server 0.00031; 1000 Genomes Project 30x 0.00062; 1000 Genomes Project 0.00080; gnomAD 0.00097; gnomAD exomes 0.00122; TOPMed 0.00142; ExAC 0.00176.
gnomAD v4.1: 1,930 of 1,595,808 alleles (0.12%); highest among the groups gnomAD compares: Admixed American, 0.36%; 8 homozygotes.

Submissions (2):

CeGaT Center for Human Genetics Tuebingen
Classification: Likely benign. Last evaluated: 2026-06-01. Review status: criteria provided, single submitter. Criteria: CeGaT Center For Human Genetics Tuebingen Variant Classification Criteria Version 2. Collection method: clinical testing. Allele origin: germline. Affected: yes. Observed: 2 variant alleles.
Comment: EP400: BP4, BS2

Ambry Genetics
Classification: Uncertain significance. Last evaluated: 2025-08-05. Review status: criteria provided, single submitter. Criteria: Ambry Variant Classification Scheme 2023. Collection method: clinical testing. Allele origin: germline.

NM_015409.5(EP400):c.460G>A (p.Ala154Thr)

Gene: EP400 (E1A binding protein p400; plus strand). Cytogenetic location: 12q24.33.
Variant type: single nucleotide variant.
Coding change: c.460G>A on transcript NM_015409.5 (MANE Select); coding-DNA position 460, G replaced by A.
Protein change: p.Ala154Thr; replaces alanine 154 with threonine.
Molecular consequence: missense variant.
Genome position (GRCh38, 1-based): chr12:131,961,079, G>A. VCF-style: chr12-131961079-G-A. GRCh37 (hg19) VCF-style: chr12-132445624-G-A.
Other names: c.460G>A (NM_015409.4); short protein forms A154T.
Identifiers: ClinVar variation 2643616 (VCV002643616.25), dbSNP rs143562403, ClinGen allele CA6884526.